The following is an entry in ClinVar:

NM_001278298.2(COL6A5):c.7765G>A (p.Ala2589Thr)

Gene: COL6A5 (collagen type VI alpha 5 chain; plus strand). Cytogenetic location: 3q22.1.
Variant type: single nucleotide variant.
Coding change: c.7765G>A on transcript NM_001278298.2 (MANE Select); coding-DNA position 7765, G replaced by A.
Protein change: p.Ala2589Thr; replaces alanine 2589 with threonine.
Molecular consequence: missense variant. On other transcripts: non-coding transcript variant (1), intron variant (1).
Genome position (GRCh38, 1-based): chr3:130,471,872, G>A. VCF-style: chr3-130471872-G-A. GRCh37 (hg19) VCF-style: chr3-130190716-G-A.
Other names: c.7574+905G>A (NM_153264.7); short protein forms A2589T.
Identifiers: ClinVar variation 402555 (VCV000402555.5), dbSNP rs73868680, ClinGen allele CA2611775.

ClinVar aggregate classification (germline): Benign. Review status: criteria provided, multiple submitters, no conflicts (2 of 4 stars). 2 submissions from 2 submitters: Benign (2). Last evaluated 2016-03-28.

Allele frequency attached by ClinVar (database versions not stated): gnomAD exomes 0.06413; TOPMed 0.11610; 1000 Genomes Project 0.12360; 1000 Genomes Project 30x 0.16880; ExAC 0.18077; gnomAD 0.18510 and 0.18818.
gnomAD v4.1: 105,316 of 1,468,390 alleles (7.2%); highest among the groups gnomAD compares: African/African-American, 23%; 4,935 homozygotes.

Submissions (2):

Laboratory for Molecular Medicine, Mass General Brigham Personalized Medicine
Classification: Benign. Last evaluated: 2016-03-28. Review status: criteria provided, single submitter. Criteria: LMM Criteria. Collection method: clinical testing. Allele origin: germline.
Comment: Variant identified in a genome or exome case(s) and assessed due to predicted null impact of the variant or pathogenic assertions in the literature or databases. Disclaimer: This variant has not undergone full assessment. The following are preliminary notes: Frequency

Breakthrough Genomics
Classification: Benign. Review status: criteria provided, single submitter. Criteria: ACMG Guidelines, 2015. Collection method: not provided. Allele origin: germline. Inheritance: Unknown mechanism. Affected: yes.